The following is an entry in ClinVar:

ClinVar aggregate classification (germline): Uncertain significance. Review status: criteria provided, multiple submitters, no conflicts (2 of 4 stars). 4 submissions from 4 submitters: Uncertain significance (4). Last evaluated 2025-09-17.

Conditions:
Gorlin syndrome. Also called: Nevoid Basal Cell Carcinoma Syndrome; Basal cell nevus syndrome. Identifiers: Orphanet 377, MedGen C0004779, MONDO:0007187.
PTCH1-related disorder. Also called: PTCH1-related disorders; PTCH1-related condition.
Hereditary cancer-predisposing syndrome. Also called: Hereditary neoplastic syndrome; Neoplastic Syndromes, Hereditary; Hereditary Cancer Syndrome; Tumor predisposition. Identifiers: Orphanet 140162, MedGen C0027672, MeSH D009386, MONDO:0015356.

Allele frequency attached by ClinVar (database versions not stated): gnomAD exomes below 0.00001; TOPMed below 0.00001; gnomAD 0.00001.
gnomAD v4.1: 3 of 1,611,044 alleles (0.00019%); highest among the groups gnomAD compares: Non-Finnish European, 0.00017%; no homozygotes.

Submissions (4):

Labcorp Genetics (formerly Invitae), Labcorp
Classification: Uncertain significance for Gorlin syndrome. Last evaluated: 2025-09-17. Review status: criteria provided, single submitter. Criteria: Invitae Variant Classification Sherloc (09022015). Collection method: clinical testing. Allele origin: germline.
Comment: This sequence change replaces aspartic acid, which is acidic and polar, with histidine, which is basic and polar, at codon 303 of the PTCH1 protein (p.Asp303His). This variant is not present in population databases (gnomAD no frequency). This variant has not been reported in the literature in individuals affected with PTCH1-related conditions. ClinVar contains an entry for this variant (Variation ID: 453915). Invitae Evidence Modeling of protein sequence and biophysical properties (such as structural, functional, and spatial information, amino acid conservation, physicochemical variation, residue mobility, and thermodynamic stability) indicates that this missense variant is not expected to disrupt PTCH1 protein function with a negative predictive value of 95%. In summary, the available evidence is currently insufficient to determine the role of this variant in disease. Therefore, it has been classified as a Variant of Uncertain Significance.

PreventionGenetics, part of Exact Sciences
Classification: Uncertain significance for PTCH1-related condition. Last evaluated: 2025-07-01. Review status: criteria provided, single submitter. Criteria: ACMG Guidelines, 2015. Collection method: clinical testing. Allele origin: germline.
Comment: The PTCH1 c.907G>C variant is predicted to result in the amino acid substitution p.Asp303His. To our knowledge, this variant has not been reported in the literature or in a large population database (gnomAD), indicating this variant is rare. This variant is reported as having uncertain clinical significance in the ClinVar database (Variation ID: 453915). At this time, the clinical significance of this variant is uncertain due to the absence of conclusive functional and genetic evidence.

Ambry Genetics
Classification: Uncertain significance for Hereditary cancer-predisposing syndrome. Last evaluated: 2025-03-10. Review status: criteria provided, single submitter. Criteria: Ambry Variant Classification Scheme 2023. Collection method: clinical testing. Allele origin: germline.
Comment: The p.D303H variant (also known as c.907G>C), located in coding exon 6 of the PTCH1 gene, results from a G to C substitution at nucleotide position 907. The aspartic acid at codon 303 is replaced by histidine, an amino acid with similar properties. This amino acid position is well conserved in available vertebrate species. In addition, the in silico prediction for this alteration is inconclusive. Since supporting evidence is limited at this time, the clinical significance of this alteration remains unclear.

CeGaT Center for Human Genetics Tuebingen
Classification: Uncertain significance. Last evaluated: 2024-05-01. Review status: criteria provided, single submitter. Criteria: CeGaT Center For Human Genetics Tuebingen Variant Classification Criteria Version 2. Collection method: clinical testing. Allele origin: germline. Affected: yes. Observed: 2 variant alleles.

NM_000264.5(PTCH1):c.907G>C (p.Asp303His)

Gene: PTCH1 (patched 1; minus strand). Cytogenetic location: 9q22.32.
Variant type: single nucleotide variant.
Coding change: c.907G>C on transcript NM_000264.5 (MANE Select); coding-DNA position 907, G replaced by C.
Protein change: p.Asp303His; replaces aspartic acid 303 with histidine.
Molecular consequence: missense variant. On other transcripts: non-coding transcript variant (1).
Genome position (GRCh38, 1-based): chr9:95,480,428, C>G on the plus strand (G>C on the coding strand, the complement: PTCH1 is on the minus strand). VCF-style: chr9-95480428-C-G. GRCh37 (hg19) VCF-style: chr9-98242710-C-G.
Other names: c.709G>C, p.Asp237His (NM_001083602.3); c.904G>C, p.Asp302His (NM_001083603.3); c.454G>C, p.Asp152His (NM_001083604.3, NM_001083605.3, NM_001083606.3 and 1 more transcripts); c.907G>C, p.Asp303His (NM_001354918.2); short protein forms D237H, D303H, D152H, D302H.
Identifiers: ClinVar variation 453915 (VCV000453915.54), dbSNP rs1172719429, ClinGen allele CA374113763.
Genomic context (GRCh38, chr9:95,480,428, plus strand): 5'-AGCGCTCACTGCTGGTACTCACTTTGGTTGAATTTTTGTTGGGGGCTGTGGCGGGGCAGT[C>G]TGGATCGGCCGGATTGAGGCAGGGGCGGTCCATGTAACCATGACCAACCTCAGCCTTATT-3'
Protein context (NP_000255.2, residues 293-313): DRPCLNPADP[Asp303His]CPATAPNKNS